The following is an entry in ClinVar:

NM_002894.3(RBBP8):c.1928A>C (p.Gln643Pro)

Gene: RBBP8 (RB binding protein 8, endonuclease; plus strand). Cytogenetic location: 18q11.2.
Variant type: single nucleotide variant.
Coding change: c.1928A>C on transcript NM_002894.3 (MANE Select); coding-DNA position 1928, A replaced by C.
Protein change: p.Gln643Pro; replaces glutamine 643 with proline.
Molecular consequence: missense variant.
Genome position (GRCh38, 1-based): chr18:22,993,836, A>C. VCF-style: chr18-22993836-A-C. GRCh37 (hg19) VCF-style: chr18-20573799-A-C.
Other names: c.1928A>C, p.Gln643Pro (NM_203291.2, NM_203292.2); c.1928A>C (NM_002894.2); short protein forms Q643P.
Identifiers: ClinVar variation 1515094 (VCV001515094.8), dbSNP rs369234115, ClinGen allele CA8910169.

ClinVar aggregate classification (germline): Uncertain significance. Review status: criteria provided, multiple submitters, no conflicts (2 of 4 stars). 3 submissions from 3 submitters: Uncertain significance (3). Last evaluated 2023-12-07.

Conditions:
Inborn genetic diseases. Identifiers: MedGen C0950123, MeSH D030342.
Seckel syndrome 2 (SCKL2). Also called: MICROCEPHALIC PRIMORDIAL DWARFISM 2; SECKEL-TYPE DWARFISM 2. Identifiers: Orphanet 808, MedGen C1847572, MONDO:0011715, OMIM 606744.
Jawad syndrome (JWDS). Also called: KELLY SYNDROME; MICROCEPHALY WITH IMPAIRED INTELLECTUAL DEVELOPMENT AND DIGITAL ANOMALIES. Identifiers: Orphanet 313795, MedGen C0796063, MONDO:0009622, OMIM 251255.

Allele frequency attached by ClinVar (database versions not stated): ESP Exome Variant Server 0.00008; gnomAD exomes 0.00012; ExAC 0.00018; gnomAD 0.00021; TOPMed 0.00026; 1000 Genomes Project 0.00040; 1000 Genomes Project 30x 0.00047.
gnomAD v4.1: 224 of 1,613,344 alleles (0.014%); highest among the groups gnomAD compares: Admixed American, 0.06%; no homozygotes.

Submissions (3):

Labcorp Genetics (formerly Invitae), Labcorp
Classification: Uncertain significance. Last evaluated: 2023-12-07. Review status: criteria provided, single submitter. Criteria: Invitae Variant Classification Sherloc (09022015). Collection method: clinical testing. Allele origin: germline.
Comment: This sequence change replaces glutamine, which is neutral and polar, with proline, which is neutral and non-polar, at codon 643 of the RBBP8 protein (p.Gln643Pro). This variant is present in population databases (rs369234115, gnomAD 0.03%). This variant has not been reported in the literature in individuals affected with RBBP8-related conditions. ClinVar contains an entry for this variant (Variation ID: 1515094). Advanced modeling of protein sequence and biophysical properties (such as structural, functional, and spatial information, amino acid conservation, physicochemical variation, residue mobility, and thermodynamic stability) performed at Invitae indicates that this missense variant is not expected to disrupt RBBP8 protein function with a negative predictive value of 80%. Experimental studies are conflicting or provide insufficient evidence to determine the effect of this variant on RBBP8 function (PMID: 32379725). In summary, the available evidence is currently insufficient to determine the role of this variant in disease. Therefore, it has been classified as a Variant of Uncertain Significance.

Fulgent Genetics
Classification: Uncertain significance for Jawad syndrome; Seckel syndrome 2. Last evaluated: 2021-11-04. Review status: criteria provided, single submitter. Criteria: ACMG Guidelines, 2015. Collection method: clinical testing. Allele origin: unknown.

Ambry Genetics
Classification: Uncertain significance for Inborn genetic diseases. Last evaluated: 2021-09-02. Review status: criteria provided, single submitter. Criteria: Ambry Variant Classification Scheme 2023. Collection method: clinical testing. Allele origin: germline.

Literature cited by the submitters: PubMed 32379725 (cited by Labcorp Genetics (formerly Invitae), Labcorp).